The following is an entry in ClinVar:

NM_007294.4(BRCA1):c.1781T>C (p.Met594Thr)

Gene: BRCA1 (BRCA1 DNA repair associated; minus strand). Cytogenetic location: 17q21.31.
Variant type: single nucleotide variant.
Coding change: c.1781T>C on transcript NM_007294.4 (MANE Select); coding-DNA position 1781, T replaced by C.
Protein change: p.Met594Thr; replaces methionine 594 with threonine.
Molecular consequence: missense variant. On other transcripts: intron variant (137).
Genome position (GRCh38, 1-based): chr17:43,093,750, A>G on the plus strand (T>C on the coding strand, the complement: BRCA1 is on the minus strand). VCF-style: chr17-43093750-A-G. GRCh37 (hg19) VCF-style: chr17-41245767-A-G.
Other names: c.1781T>C, p.Met594Thr (NM_001407620.1, NM_001407621.1, NM_001407622.1 and 30 more transcripts); c.1778T>C, p.Met593Thr (NM_001407644.1, NM_001407645.1, NM_001407631.1 and 22 more transcripts); c.1772T>C, p.Met591Thr (NM_001407646.1, NM_001407647.1); c.1658T>C, p.Met553Thr (NM_001407648.1, NM_001407664.1, NM_001407665.1 and 19 more transcripts); c.661+994T>C (NM_001408448.1, NM_001408445.1, NM_001408432.1 and 6 more transcripts); c.667+2096T>C (NM_001408421.1, NM_001408431.1, NM_001408424.1); c.784+994T>C (NM_001407991.1, NM_001408407.1, NM_001408402.1 and 13 more transcripts); c.664+994T>C (NM_001408427.1, NM_001408443.1, NM_001408439.1 and 12 more transcripts); and 40 more; short protein forms M594T, M547T, M426T, M483T, M523T, M552T, M466T, M467T.
Identifiers: ClinVar variation 949994 (VCV000949994.14), dbSNP rs2053884703, ClinGen allele CA10598459.
Genomic context (GRCh38, chr17:43,093,750, plus strand): 5'-TTCCTCCTCAGCCTATTCTTTTTAGGTGCTTTTGAATTGTGGATATTTAATTCGAGTTCC[A>G]TATTGCTTATACTGCTGCTTATAGGTTCAGCTTTCGTTTTGAAAGCAGATTCTTTTTCGA-3'
Protein context (NP_009225.1, residues 584-604): AEPISSSISN[Met594Thr]ELELNIHNSK

ClinVar aggregate classification (germline): Conflicting classifications of pathogenicity. Review status: criteria provided, conflicting classifications (1 of 4 stars). 3 submissions from 3 submitters: Uncertain significance (2); Likely benign (1). Last evaluated 2025-07-25.

Conditions:
Hereditary breast ovarian cancer syndrome. Also called: Hereditary breast and ovarian cancer; Hereditary breast and/or ovarian cancer syndrome; Hereditary breast and ovarian cancer syndrome; Hereditary breast and ovarian cancer syndrome (HBOC); BRCA1- and BRCA2-Associated Hereditary Breast and Ovarian Cancer; Breast and ovarian cancer. Identifiers: Orphanet 145, MedGen C0677776, MeSH D061325, MONDO:0003582. Disease mechanism: loss of function.
Hereditary cancer-predisposing syndrome. Also called: Tumor predisposition; Hereditary neoplastic syndrome; Neoplastic Syndromes, Hereditary; Hereditary Cancer Syndrome. Identifiers: Orphanet 140162, MedGen C0027672, MeSH D009386, MONDO:0015356.

Allele frequency attached by ClinVar (database versions not stated): gnomAD exomes below 0.00001.
gnomAD v4.1: 1 of 1,614,006 alleles (0.000062%); highest among the groups gnomAD compares: Non-Finnish European, 0.000085%; no homozygotes.

Submissions (3):

Labcorp Genetics (formerly Invitae), Labcorp
Classification: Uncertain significance for Hereditary breast ovarian cancer syndrome. Last evaluated: 2025-07-25. Review status: criteria provided, single submitter. Criteria: Invitae Variant Classification Sherloc (09022015). Collection method: clinical testing. Allele origin: germline.
Comment: This sequence change replaces methionine, which is neutral and non-polar, with threonine, which is neutral and polar, at codon 594 of the BRCA1 protein (p.Met594Thr). This variant is not present in population databases (gnomAD no frequency). This variant has not been reported in the literature in individuals affected with BRCA1-related conditions. ClinVar contains an entry for this variant (Variation ID: 949994). Invitae Evidence Modeling of protein sequence and biophysical properties (such as structural, functional, and spatial information, amino acid conservation, physicochemical variation, residue mobility, and thermodynamic stability) indicates that this missense variant is expected to disrupt BRCA1 protein function with a positive predictive value of 80%. In summary, the available evidence is currently insufficient to determine the role of this variant in disease. Therefore, it has been classified as a Variant of Uncertain Significance.

Ambry Genetics
Classification: Uncertain significance for Hereditary cancer-predisposing syndrome. Last evaluated: 2024-05-28. Review status: criteria provided, single submitter. Criteria: Ambry Variant Classification Scheme 2023. Collection method: clinical testing. Allele origin: germline.
Comment: The p.M594T variant (also known as c.1781T>C), located in coding exon 9 of the BRCA1 gene, results from a T to C substitution at nucleotide position 1781. The methionine at codon 594 is replaced by threonine, an amino acid with similar properties. This amino acid position is not well conserved in available vertebrate species. In addition, the in silico prediction for this alteration is inconclusive. Based on the available evidence, the clinical significance of this variant remains unclear.

University of Washington Department of Laboratory Medicine, University of Washington
Classification: Likely benign for Hereditary cancer-predisposing syndrome. Last evaluated: 2023-03-23. Review status: criteria provided, single submitter. Criteria: Dines et al. (Genet Med. 2020). Collection method: curation. Allele origin: germline.
Comment: Missense variant in a coldspot region where missense variants are very unlikely to be pathogenic (PMID:31911673).

BRCA1 coldspot (exon 11 using historical exon numbering). Reclassification based on statistical prior probability